The following is an entry in ClinVar:

NM_004385.5(VCAN):c.1883G>A (p.Ser628Asn)

Gene: VCAN (versican; plus strand). Cytogenetic location: 5q14.3.
Variant type: single nucleotide variant.
Coding change: c.1883G>A on transcript NM_004385.5 (MANE Select); coding-DNA position 1883, G replaced by A.
Protein change: p.Ser628Asn; replaces serine 628 with asparagine.
Molecular consequence: missense variant. On other transcripts: intron variant (2).
Genome position (GRCh38, 1-based): chr5:83,520,189, G>A. VCF-style: chr5-83520189-G-A. GRCh37 (hg19) VCF-style: chr5-82816008-G-A.
Other names: c.1883G>A, p.Ser628Asn (NM_001164098.2); c.1042+7793G>A (NM_001164097.2, NM_001126336.3); short protein forms S628N.
Identifiers: ClinVar variation 1025629 (VCV001025629.10), dbSNP rs748526948, ClinGen allele CA3332742.

ClinVar aggregate classification (germline): Uncertain significance. Review status: criteria provided, multiple submitters, no conflicts (2 of 4 stars). 2 submissions from 2 submitters: Uncertain significance (2). Last evaluated 2025-11-03.

Allele frequency attached by ClinVar (database versions not stated): ExAC 0.00001; gnomAD exomes 0.00001; TOPMed 0.00001; gnomAD 0.00002.
gnomAD v4.1: 23 of 1,613,926 alleles (0.0014%); highest among the groups gnomAD compares: Admixed American, 0.005%; no homozygotes.

Submissions (2):

Labcorp Genetics (formerly Invitae), Labcorp
Classification: Uncertain significance. Last evaluated: 2025-11-03. Review status: criteria provided, single submitter. Criteria: Invitae Variant Classification Sherloc (09022015). Collection method: clinical testing. Allele origin: germline.
Comment: This sequence change replaces serine, which is neutral and polar, with asparagine, which is neutral and polar, at codon 628 of the VCAN protein (p.Ser628Asn). This variant is present in population databases (rs748526948, gnomAD 0.003%). This variant has not been reported in the literature in individuals affected with VCAN-related conditions. ClinVar contains an entry for this variant (Variation ID: 1025629). An algorithm developed to predict the effect of missense changes on protein structure and function outputs the following: PolyPhen-2: "Benign". The asparagine amino acid residue is found in multiple mammalian species, which suggests that this missense change does not adversely affect protein function. In summary, the available evidence is currently insufficient to determine the role of this variant in disease. Therefore, it has been classified as a Variant of Uncertain Significance.

GeneDx
Classification: Uncertain significance. Last evaluated: 2020-01-10. Review status: criteria provided, single submitter. Criteria: GeneDx Variant Classification Process June 2021. Collection method: clinical testing. Allele origin: germline. Affected: yes.
Comment: In silico analysis, which includes protein predictors and evolutionary conservation, supports that this variant does not alter protein structure/function; Has not been previously published as pathogenic or benign to our knowledge